The following is an entry in ClinVar:

NM_001267550.2(TTN):c.40409-203_40409-200del

Gene: TTN (titin; minus strand). Cytogenetic location: 2q31.2.
Variant type: Microsatellite.
Coding change: c.40409-203_40409-200del on transcript NM_001267550.2 (MANE Select); 203 bases into the intron before coding-DNA position 40409 through 200 bases into the intron before coding-DNA position 40409, 4 bases deleted (TTAA; older notation c.40409-203_40409-200delTTAA).
Molecular consequence: intron variant.
Genome position (GRCh38, 1-based): chr2:178,644,816-178,644,819, TTAA deleted on the plus strand (TTAA on the coding strand, the reverse complement: TTN is on the minus strand); deleting any 4 consecutive bases within chr2:178,644,816-178,644,823 gives the same sequence; the c. name uses the placement nearest the transcript's 3' end. VCF-style (leftmost placement, unchanged base first): chr2-178644815-GTTAA-G. GRCh37 (hg19) VCF-style: chr2-179509542-GTTAA-G.
Other names: c.13283-2502_13283-2499del (NM_003319.4); c.13859-2502_13859-2499del (NM_133437.4); c.13658-2502_13658-2499del (NM_133432.3); c.32705-203_32705-200del (NM_133378.4); c.35486-203_35486-200del (NM_001256850.1); c.35486-203_35486-200delTTAA (NM_001256850.1).
Identifiers: ClinVar variation 675643 (VCV000675643.1), dbSNP rs368447062, ClinGen allele CA60963356.
Genomic context (GRCh38, chr2:178,644,815, plus strand): 5'-AACATACAAGCAGCATTCGAACCATGAAAACAGACTGCAGTTTTACTCCAAAGTTCAGTA[GTTAA>G]TTAAAGACCAGCAGAAAAAGAAGACAATTTTTGTTATTGGCAGGAGGAAGAAATTTTCCT-3'

ClinVar aggregate classification (germline): Likely benign (1 of 4 stars; one submission).

Submission:

GeneDx
Classification: Likely benign. Last evaluated: 2018-06-14. Review status: criteria provided, single submitter. Criteria: GeneDx Variant Classification (06012015). Collection method: clinical testing. Allele origin: germline. Affected: yes.
Comment: This variant is considered likely benign or benign based on one or more of the following criteria: it is a conservative change, it occurs at a poorly conserved position in the protein, it is predicted to be benign by multiple in silico algorithms, and/or has population frequency not consistent with disease.